The following is an entry in ClinVar:

NM_178857.6(RP1L1):c.2191G>C (p.Asp731His)

Gene: RP1L1 (RP1 like 1). Cytogenetic location: 8p23.1.
Variant type: single nucleotide variant.
Coding change: c.2191G>C on transcript NM_178857.6 (MANE Select); coding-DNA position 2191, G replaced by C.
Protein change: p.Asp731His; replaces aspartic acid 731 with histidine.
Molecular consequence: missense variant.
Genome position (GRCh38, 1-based): chr8:10,611,907, C>G on the plus strand (G>C on the coding strand, the complement: RP1L1 is on the minus strand). VCF-style: chr8-10611907-C-G. GRCh37 (hg19) VCF-style: chr8-10469417-C-G.
Other names: short protein forms D731H.
Identifiers: ClinVar variation 2393660 (VCV002393660.5), dbSNP rs768251529, ClinGen allele CA4624914.

ClinVar aggregate classification (germline): Uncertain significance. Review status: criteria provided, multiple submitters, no conflicts (2 of 4 stars). 3 submissions from 3 submitters: Uncertain significance (3). Last evaluated 2026-07-13.

Conditions:
RP1L1-related disorder. Also called: RP1L1-related condition.
Inborn genetic diseases. Identifiers: MedGen C0950123, MeSH D030342.

gnomAD v4.1: 36 of 1,613,776 alleles (0.0022%); highest among the groups gnomAD compares: Middle Eastern, 0.049%; no homozygotes.

Submissions (3):

PreventionGenetics, part of Exact Sciences
Classification: Uncertain significance for RP1L1-related condition. Last evaluated: 2026-07-13. Review status: criteria provided, single submitter. Criteria: ACMG Guidelines, 2015. Collection method: clinical testing. Allele origin: germline.
Comment: The RP1L1 c.2191G>C variant is predicted to result in the amino acid substitution p.Asp731His. To our knowledge, this variant has not been reported in the literature. This variant is reported in 0.0023% of alleles in individuals of European (Non-Finnish) descent in gnomAD. At this time, the clinical significance of this variant is uncertain due to the absence of conclusive functional and genetic evidence.

Ambry Genetics
Classification: Uncertain significance for Inborn genetic diseases. Last evaluated: 2025-08-21. Review status: criteria provided, single submitter. Criteria: Ambry Variant Classification Scheme 2023. Collection method: clinical testing. Allele origin: germline.

Blueprint Genetics
Classification: Uncertain significance. Last evaluated: 2023-08-10. Review status: criteria provided, single submitter. Criteria: ACMG Guidelines, 2015. Collection method: clinical testing. Allele origin: germline.